The following is an entry in ClinVar:

ClinVar aggregate classification (germline): Benign/Likely benign. Review status: criteria provided, multiple submitters, no conflicts (2 of 4 stars). 3 submissions from 3 submitters: Benign (1); Likely benign (2). Last evaluated 2026-06-24.

Conditions:
Hereditary cancer-predisposing syndrome. Also called: Neoplastic Syndromes, Hereditary; Tumor predisposition; Hereditary neoplastic syndrome; Hereditary Cancer Syndrome. Identifiers: Orphanet 140162, MedGen C0027672, MeSH D009386, MONDO:0015356.
Retinoblastoma (RB1). Also called: RETINOBLASTOMA, SOMATIC. Identifiers: Orphanet 790, MedGen C0035335, MeSH D012175, MONDO:0008380, OMIM 180200, HP:0009919. Disease mechanism: loss of function. Inheritance: Both sporadic and heritable forms are tested..

Allele frequency attached by ClinVar (database versions not stated): gnomAD exomes below 0.00001.
gnomAD v4.1: 1 of 1,613,386 alleles (0.000062%); highest among the groups gnomAD compares: African/African-American, 0.0013%; no homozygotes.

Submissions (3):

Myriad Genetics, Inc.
Classification: Benign for Retinoblastoma. Last evaluated: 2026-06-24. Review status: criteria provided, single submitter. Criteria: Myriad Autosomal Dominant, Autosomal Recessive and X-Linked Classification Criteria (2023). Collection method: clinical testing. Allele origin: unknown.
Comment: This variant is considered benign. This variant is a silent/synonymous amino acid change and it is not expected to impact splicing.

Labcorp Genetics (formerly Invitae), Labcorp
Classification: Likely benign for Retinoblastoma. Last evaluated: 2025-03-17. Review status: criteria provided, single submitter. Criteria: Invitae Variant Classification Sherloc (09022015). Collection method: clinical testing. Allele origin: germline.

Ambry Genetics
Classification: Likely benign for Hereditary cancer-predisposing syndrome. Last evaluated: 2020-01-18. Review status: criteria provided, single submitter. Criteria: Ambry Variant Classification Scheme 2023. Collection method: clinical testing. Allele origin: germline.

NM_000321.3(RB1):c.843T>C (p.His281=)

Gene: RB1 (RB transcriptional corepressor 1; plus strand). Cytogenetic location: 13q14.2.
Variant type: single nucleotide variant.
Coding change: c.843T>C on transcript NM_000321.3 (MANE Select); coding-DNA position 843, T replaced by C.
Protein change: p.His281=; no amino-acid change (histidine 281 retained).
Molecular consequence: synonymous variant.
Genome position (GRCh38, 1-based): chr13:48,362,939, T>C. VCF-style: chr13-48362939-T-C. GRCh37 (hg19) VCF-style: chr13-48937075-T-C.
Other names: c.843T>C, p.His281= (NM_001407165.1, NM_001407166.1).
Identifiers: ClinVar variation 1763399 (VCV001763399.6), dbSNP rs2138112781, ClinGen allele CA483557961.
Genomic context (GRCh38, chr13:48,362,939, plus strand): 5'-ACGGATAGCAAAACAACTAGAAAATGATACAAGAATTATTGAAGTTCTCTGTAAAGAACA[T>C]GAATGTAATATAGATGAGGTAATTTAACTTCATGATTTCTTTAAAACAGTTAAAGTAGAT-3'
Protein context (NP_000312.2, residues 271-291): TRIIEVLCKE[His281=]ECNIDEVKNV